The following is an entry in ClinVar:

ClinVar aggregate classification (germline): Likely benign. Review status: criteria provided, single submitter (1 of 4 stars). 2 submissions from 2 submitters: Likely benign (1). 1 of the submissions does not count toward it. Last evaluated 2025-03-17.

Conditions:
IFT88-related disorder. Also called: IFT88-related condition.

Submissions (2):

Labcorp Genetics (formerly Invitae), Labcorp
Classification: Likely benign. Last evaluated: 2025-03-17. Review status: criteria provided, single submitter. Criteria: Invitae Variant Classification Sherloc (09022015). Collection method: clinical testing. Allele origin: germline.

PreventionGenetics, part of Exact Sciences
Classification: Likely benign for IFT88-related condition. Last evaluated: 2019-06-28. Review status: no assertion criteria provided. Collection method: clinical testing. Allele origin: germline. Not counted in ClinVar's aggregate classification.
Comment: This variant is classified as likely benign based on ACMG/AMP sequence variant interpretation guidelines (Richards et al. 2015 PMID: 25741868, with internal and published modifications).

NM_006531.5(IFT88):c.744T>C (p.Asn248=)

Gene: IFT88 (intraflagellar transport 88; plus strand). Cytogenetic location: 13q12.11.
Variant type: single nucleotide variant.
Coding change: c.744T>C on transcript NM_006531.5 (MANE Select); coding-DNA position 744, T replaced by C.
Protein change: p.Asn248=; no amino-acid change (asparagine 248 retained).
Molecular consequence: synonymous variant. On other transcripts: non-coding transcript variant (5).
Genome position (GRCh38, 1-based): chr13:20,599,497, T>C. VCF-style: chr13-20599497-T-C. GRCh37 (hg19) VCF-style: chr13-21173636-T-C.
Other names: c.687T>C, p.Asn229= (NM_001318491.2, NM_001353573.2, NM_001353574.2 and 1 more transcripts); c.771T>C, p.Asn257= (NM_001318493.2, NM_001353565.2, NM_001353566.2 and 6 more transcripts); c.744T>C, p.Asn248= (NM_001353568.2, NM_001353571.2, NM_001353572.2 and 1 more transcripts); c.111T>C, p.Asn37= (NM_001353579.2).
Identifiers: ClinVar variation 3352213 (VCV003352213.3).